The following is an entry in ClinVar:

ClinVar aggregate classification (germline): Likely benign (0 of 4 stars; one submission).

Conditions:
RPL19-related disorder. Also called: RPL19-related condition.

Allele frequency attached by ClinVar (database versions not stated): ExAC 0.00383.

Submission:

PreventionGenetics, part of Exact Sciences
Classification: Likely benign for RPL19-related condition. Last evaluated: 2022-12-30. Review status: no assertion criteria provided. Collection method: clinical testing. Allele origin: germline.
Comment: This variant is classified as likely benign based on ACMG/AMP sequence variant interpretation guidelines (Richards et al. 2015 PMID: 25741868, with internal and published modifications).

NM_000981.4(RPL19):c.*3C>G

Gene: RPL19 (ribosomal protein L19; plus strand). Cytogenetic location: 17q12.
Variant type: single nucleotide variant.
Coding change: c.*3C>G on transcript NM_000981.4 (MANE Select); 3 bases downstream of the stop codon, C replaced by G.
Molecular consequence: 3 prime UTR variant.
Genome position (GRCh38, 1-based): chr17:39,204,651, C>G. VCF-style: chr17-39204651-C-G. GRCh37 (hg19) VCF-style: chr17-37360904-C-G.
Other names: c.*3C>G (NM_001330200.1).
Identifiers: ClinVar variation 3050149 (VCV003050149.2), dbSNP rs781207977, ClinGen allele CA8528982.